The following is an entry in ClinVar:

NM_147191.1(MMP21):c.240dup (p.Lys81fs)

Gene: MMP21 (matrix metallopeptidase 21; minus strand). Cytogenetic location: 10q26.2.
Variant type: Duplication.
Coding change: c.240dup on transcript NM_147191.1 (MANE Select); coding-DNA position 240, one base duplicated (C; older notation c.240dupC).
Protein change: p.Lys81fs; shifts the reading frame from lysine 81.
Molecular consequence: frameshift variant.
Genome position (GRCh38, 1-based): chr10:125,774,288, G duplicated on the plus strand (C on the coding strand, the reverse complement: MMP21 is on the minus strand); the first of 5 consecutive G bases (chr10:125,774,288-125,774,292); duplicating any one gives the same sequence. VCF-style (leftmost placement, unchanged base first): chr10-125774287-T-TG. GRCh37 (hg19) VCF-style: chr10-127462856-T-TG.
Other names: c.240dupC (NM_147191.1); short protein forms K81fs.
Identifiers: ClinVar variation 279945 (VCV000279945.12), dbSNP rs886041273, ClinGen allele CA10603135.

ClinVar aggregate classification (germline): Pathogenic/Likely pathogenic. Review status: criteria provided, multiple submitters, no conflicts (2 of 4 stars). 4 submissions from 4 submitters: Pathogenic (1); Likely pathogenic (2). 1 of the submissions does not count toward it. Last evaluated 2025-05-04.

Conditions:
MMP21-related disorder. Also called: MMP21-related condition.
Heterotaxy, visceral, 7, autosomal (HTX7). Identifiers: Orphanet 450, MedGen C4225217, MONDO:0014762, OMIM 616749.

Submissions (4):

GeneDx
Classification: Pathogenic. Last evaluated: 2025-05-04. Review status: criteria provided, single submitter. Criteria: GeneDx Variant Classification Process June 2021. Collection method: clinical testing. Allele origin: germline. Affected: yes.
Comment: Frameshift variant predicted to result in protein truncation or nonsense mediated decay in a gene for which loss of function is a known mechanism of disease; Reported along with a second variant in the MMP21 gene in the published literature, however specific clinical information was not provided (PMID: 33726816); This variant is associated with the following publications: (PMID: 33726816)

Dasa
Classification: Likely pathogenic for Heterotaxy, visceral, 7, autosomal. Last evaluated: 2024-11-18. Review status: criteria provided, single submitter. Criteria: DASA Assertion Criteria. Collection method: clinical testing. Allele origin: germline.
Comment: NM_147191.1(MMP21):c.240dup (p.Lys81Glnfs*177) is a frameshift variant in MMP21 predicted to alter the reading frame and introduce a premature termination codon and is predicted to result in an absent or altered protein product. Loss of function is an established disease mechanism for MMP21-associated disorders. Also, this variant is rare in population databases. Based on the currently available evidence, this variant is classified as likely pathogenic.

Revvity Omics, Revvity
Classification: Likely pathogenic for Heterotaxy, visceral, 7, autosomal. Last evaluated: 2019-12-23. Review status: criteria provided, single submitter. Criteria: ACMG Guidelines, 2015. Collection method: clinical testing. Allele origin: germline.

PreventionGenetics, part of Exact Sciences
Classification: Likely pathogenic for MMP21-related condition. Last evaluated: 2024-05-13. Review status: no assertion criteria provided. Collection method: clinical testing. Allele origin: germline. Not counted in ClinVar's aggregate classification.
Comment: The MMP21 c.240dupC variant is predicted to result in a frameshift and premature protein termination (p.Lys81Glnfs*177). This variant was reported, along with another variant in MMP21, in an individual with a rare disease undergoing whole genome sequencing; however, specific details were not provided (Table S7, Stranneheim et al. 2021. PubMed ID: 33726816). This variant is reported in 0.019% of alleles in individuals of European (non-Finnish) descent in gnomAD. Frameshift variants in MMP21 are expected to be pathogenic. This variant is interpreted as likely pathogenic.